The following is an entry in ClinVar:

NM_003001.5(SDHC):c.425G>A (p.Gly142Asp)

Gene: SDHC (succinate dehydrogenase complex subunit C; plus strand). Cytogenetic location: 1q23.3.
Variant type: single nucleotide variant.
Coding change: c.425G>A on transcript NM_003001.5 (MANE Select); coding-DNA position 425, G replaced by A.
Protein change: p.Gly142Asp; replaces glycine 142 with aspartic acid.
Molecular consequence: missense variant. On other transcripts: synonymous variant (3), non-coding transcript variant (1).
Genome position (GRCh38, 1-based): chr1:161,362,348, G>A. VCF-style: chr1-161362348-G-A. GRCh37 (hg19) VCF-style: chr1-161332138-G-A.
Other names: c.261G>A, p.Arg87= (NM_001035511.3); c.323G>A, p.Gly108Asp (NM_001035512.3); c.266G>A, p.Gly89Asp (NM_001035513.3); c.159G>A, p.Arg53= (NM_001278172.3); c.545G>A, p.Gly182Asp (NM_001407115.1); c.368G>A, p.Gly123Asp (NM_001407116.1); c.362G>A, p.Gly121Asp (NM_001407117.1); c.317G>A, p.Gly106Asp (NM_001407118.1); and 2 more; short protein forms G105D, G108D, G182D, G142D, G89D, G106D, G121D, G123D.
Identifiers: ClinVar variation 1739161 (VCV001739161.3), dbSNP rs2102385096, ClinGen allele CA343457616.

ClinVar aggregate classification (germline): Uncertain significance (1 of 4 stars; one submission).

Conditions:
Hereditary cancer-predisposing syndrome. Also called: Hereditary Cancer Syndrome; Hereditary neoplastic syndrome; Neoplastic Syndromes, Hereditary; Tumor predisposition. Identifiers: Orphanet 140162, MedGen C0027672, MeSH D009386, MONDO:0015356.

Submission:

Ambry Genetics
Classification: Uncertain significance for Hereditary cancer-predisposing syndrome. Last evaluated: 2026-07-29. Review status: criteria provided, single submitter. Criteria: Ambry Variant Classification Scheme 2023. Collection method: clinical testing. Allele origin: germline.
Comment: The p.G142D variant (also known as c.425G>A), located in coding exon 6 of the SDHC gene, results from a G to A substitution at nucleotide position 425. The glycine at codon 142 is replaced by aspartic acid, an amino acid with similar properties. This amino acid position is highly conserved in available vertebrate species. In addition, this alteration is predicted to be deleterious by in silico analysis. Based on the available evidence, the clinical significance of this variant remains unclear.